The following is an entry in ClinVar:

ClinVar aggregate classification (germline): Benign (0 of 4 stars; one submission).

Conditions:
NAV2-related disorder. Also called: NAV2-related condition.

Allele frequency attached by ClinVar (database versions not stated): ESP Exome Variant Server 0.35007; gnomAD 0.36482; TOPMed 0.37674; 1000 Genomes Project 0.40695; 1000 Genomes Project 30x 0.40725.
gnomAD v4.1: 534,840 of 1,612,972 alleles (33%); highest among the groups gnomAD compares: East Asian, 62%; 93,219 homozygotes.

Submission:

PreventionGenetics, part of Exact Sciences
Classification: Benign for NAV2-related condition. Last evaluated: 2019-10-30. Review status: no assertion criteria provided. Collection method: clinical testing. Allele origin: germline.
Comment: This variant is classified as benign based on ACMG/AMP sequence variant interpretation guidelines (Richards et al. 2015 PMID: 25741868, with internal and published modifications).

NM_145117.5(NAV2):c.5505A>C (p.Ser1835=)

Gene: NAV2 (neuron navigator 2; plus strand). Cytogenetic location: 11p15.1.
Variant type: single nucleotide variant.
Coding change: c.5505A>C on transcript NM_145117.5 (MANE Select); coding-DNA position 5505, A replaced by C.
Protein change: p.Ser1835=; no amino-acid change (serine 1835 retained).
Molecular consequence: synonymous variant.
Genome position (GRCh38, 1-based): chr11:20,090,871, A>C. VCF-style: chr11-20090871-A-C. GRCh37 (hg19) VCF-style: chr11-20112417-A-C.
Other names: c.5313A>C, p.Ser1771= (NM_001111018.2); c.2697A>C, p.Ser899= (NM_001111019.3); c.5682A>C, p.Ser1894= (NM_001244963.2); c.5514A>C, p.Ser1838= (NM_182964.6).
Identifiers: ClinVar variation 3060888 (VCV003060888.2), dbSNP rs2243624, ClinGen allele CA5919114.
Genomic context (GRCh38, chr11:20,090,871, plus strand): 5'-TCAGTAGGGGACTAAAAGGAGCTGCTTTCATCAGTAACATTCCTCTTTCCCTAGAATTTC[A>C]GAATGCATGGATAGTGAAGCTGAGACCGTCATGCAGCTCCGAAATGAGTTAAGAGACAAG-3'
Protein context (NP_660093.2, residues 1825-1845): LRNSHSNSLI[Ser1835=]ECMDSEAETV